The following is an entry in ClinVar:

ClinVar aggregate classification (germline): Uncertain significance (1 of 4 stars; one submission).

gnomAD v4.1: 1 of 1,614,046 alleles (0.000062%); highest among the groups gnomAD compares: Non-Finnish European, 0.000085%; no homozygotes.

Submission:

GeneDx
Classification: Uncertain significance. Last evaluated: 2025-05-24. Review status: criteria provided, single submitter. Criteria: GeneDx Variant Classification Process June 2021. Collection method: clinical testing. Allele origin: germline. Affected: yes.
Comment: Not observed at significant frequency in large population cohorts (gnomAD); In silico analysis supports that this missense variant has a deleterious effect on protein structure/function; Has not been previously published as pathogenic or benign to our knowledge

NM_000064.4(C3):c.1786G>A (p.Val596Met)

Gene: C3 (complement C3; minus strand). Cytogenetic location: 19p13.3.
Variant type: single nucleotide variant.
Coding change: c.1786G>A on transcript NM_000064.4 (MANE Select); coding-DNA position 1786, G replaced by A.
Protein change: p.Val596Met; replaces valine 596 with methionine.
Molecular consequence: missense variant.
Genome position (GRCh38, 1-based): chr19:6,709,743, C>T on the plus strand (G>A on the coding strand, the complement: C3 is on the minus strand). VCF-style: chr19-6709743-C-T. GRCh37 (hg19) VCF-style: chr19-6709754-C-T.
Other names: short protein forms V596M.
Identifiers: ClinVar variation 4531124 (VCV004531124.1).